The following is an entry in ClinVar:

ClinVar aggregate classification (germline): Uncertain significance (1 of 4 stars; one submission).

Conditions:
Baller-Gerold syndrome (BGS). Also called: CRANIOSYNOSTOSIS WITH RADIAL DEFECTS. Identifiers: Orphanet 1225, MedGen C0265308, MONDO:0009039, OMIM 218600.

Submission:

Labcorp Genetics (formerly Invitae), Labcorp
Classification: Uncertain significance for Baller-Gerold syndrome. Last evaluated: 2023-08-01. Review status: criteria provided, single submitter. Criteria: Invitae Variant Classification Sherloc (09022015). Collection method: clinical testing. Allele origin: germline.
Comment: This sequence change affects codon 315 of the RECQL4 mRNA. It is a 'silent' change, meaning that it does not change the encoded amino acid sequence of the RECQL4 protein. The frequency data for this variant in the population databases is considered unreliable, as metrics indicate poor data quality at this position in the gnomAD database. This variant has not been reported in the literature in individuals affected with RECQL4-related conditions. ClinVar contains an entry for this variant (Variation ID: 2083324). Algorithms developed to predict the effect of sequence changes on RNA splicing suggest that this variant may create or strengthen a splice site. In summary, the available evidence is currently insufficient to determine the role of this variant in disease. Therefore, it has been classified as a Variant of Uncertain Significance.

NM_004260.4(RECQL4):c.945G>T (p.Ser315=)

Gene: RECQL4 (RecQ like helicase 4; minus strand). Cytogenetic location: 8q24.3.
Variant type: single nucleotide variant.
Coding change: c.945G>T on transcript NM_004260.4 (MANE Select); coding-DNA position 945, G replaced by T.
Protein change: p.Ser315=; no amino-acid change (serine 315 retained).
Molecular consequence: synonymous variant. On other transcripts: 5 prime UTR variant (17), non-coding transcript variant (3).
Genome position (GRCh38, 1-based): chr8:144,516,174, C>A on the plus strand (G>T on the coding strand, the complement: RECQL4 is on the minus strand). VCF-style: chr8-144516174-C-A. GRCh37 (hg19) VCF-style: chr8-145741558-C-A.
Other names: c.945G>T, p.Ser315= (NM_001413017.1, NM_001413018.1, NM_001413019.1 and 4 more transcripts); c.-127G>T (NM_001413021.1, NM_001413022.1, NM_001413023.1 and 7 more transcripts); c.816G>T, p.Ser272= (NM_001413025.1); c.-189G>T (NM_001413027.1, NM_001413030.1, NM_001413031.1 and 2 more transcripts); c.594G>T, p.Ser198= (NM_001413029.1); c.-31G>T (NM_001413034.1); c.-396G>T (NM_001413043.1).
Identifiers: ClinVar variation 2083324 (VCV002083324.4), dbSNP rs371593078, ClinGen allele CA4949131.